The following is an entry in ClinVar:

ClinVar aggregate classification (germline): Benign (1 of 4 stars; one submission).

Conditions:
Leigh syndrome (NULS). Also called: Leigh's necrotizing encephalopathy; Leigh's disease; Leigh's syndrome; LEIGH SYNDROME, NUCLEAR; Leigh Syndrome (mtDNA deletion); Leigh Disease. Identifiers: Orphanet 506, MedGen C2931891, MONDO:0009723, OMIM 256000.

Submission:

Wong Mito Lab, Molecular and Human Genetics, Baylor College of Medicine
Classification: Benign for Leigh syndrome. Last evaluated: 2019-10-17. Review status: criteria provided, single submitter. Criteria: Modified ACMG Guidelines (Unpublished). Collection method: clinical testing. Allele origin: germline.
Comment: The NC_012920.1:m.15596G>A (YP_003024038.1:p.Val284Ile) variant in MTCYB gene is interpretated to be a Benign variant based on the modified ACMG guidelines (unpublished). This variant meets the following evidence codes: BS1, BS2, BP4

NC_012920.1(MT-CYB):m.15596G>A

Gene: MT-CYB (mitochondrially encoded cytochrome b; plus strand).
Variant type: single nucleotide variant.
Genome position: chrM-15596-G-A.
Identifiers: ClinVar variation 693911 (VCV000693911.1), dbSNP rs1603225369, ClinGen allele CA913174309.